The following is an entry in ClinVar:

NM_006218.4(PIK3CA):c.181C>A (p.Leu61Ile)

Gene: PIK3CA (phosphatidylinositol-4,5-bisphosphate 3-kinase catalytic subunit alpha; plus strand). Cytogenetic location: 3q26.32.
Variant type: single nucleotide variant.
Coding change: c.181C>A on transcript NM_006218.4 (MANE Select); coding-DNA position 181, C replaced by A.
Protein change: p.Leu61Ile; replaces leucine 61 with isoleucine.
Molecular consequence: missense variant.
Genome position (GRCh38, 1-based): chr3:179,199,006, C>A. VCF-style: chr3-179199006-C-A. GRCh37 (hg19) VCF-style: chr3-178916794-C-A.
Other names: short protein forms L61I.
Identifiers: ClinVar variation 1516099 (VCV001516099.8), dbSNP rs2108385717, ClinGen allele CA355271671.

ClinVar aggregate classification (germline): Uncertain significance (1 of 4 stars; one submission).

Conditions:
Cowden syndrome (CS). Also called: Cowden's disease; Cowden's syndrome; Cowden disease. Identifiers: Orphanet 201, MedGen C0018553, MONDO:0016063. Disease mechanism: gain of function.

gnomAD v4.1: 1 of 1,613,318 alleles (0.000062%); no homozygotes.

Submission:

Labcorp Genetics (formerly Invitae), Labcorp
Classification: Uncertain significance for Cowden syndrome. Last evaluated: 2021-05-07. Review status: criteria provided, single submitter. Criteria: Invitae Variant Classification Sherloc (09022015). Collection method: clinical testing. Allele origin: germline.
Comment: This sequence change replaces leucine with isoleucine at codon 61 of the PIK3CA protein (p.Leu61Ile). The leucine residue is highly conserved and there is a small physicochemical difference between leucine and isoleucine. This variant is not present in population databases (ExAC no frequency). This variant has not been reported in the literature in individuals with PIK3CA-related conditions. Algorithms developed to predict the effect of missense changes on protein structure and function are either unavailable or do not agree on the potential impact of this missense change (SIFT: "Deleterious"; PolyPhen-2: "Possibly Damaging"; Align-GVGD: "Class C0"). In summary, the available evidence is currently insufficient to determine the role of this variant in disease. Therefore, it has been classified as a Variant of Uncertain Significance.